The following is an entry in ClinVar:

ClinVar aggregate classification (germline): Conflicting classifications of pathogenicity. Review status: criteria provided, conflicting classifications (1 of 4 stars). 3 submissions from 3 submitters: Uncertain significance (1); Likely benign (2). Last evaluated 2025-03-04.

Conditions:
Hereditary cancer-predisposing syndrome. Also called: Tumor predisposition; Neoplastic Syndromes, Hereditary; Hereditary Cancer Syndrome; Hereditary neoplastic syndrome. Identifiers: Orphanet 140162, MedGen C0027672, MeSH D009386, MONDO:0015356.
Ataxia-telangiectasia syndrome (AT). Also called: Ataxia-telangiectasia; Ataxia-telangiectasia, complementation group D; AT, COMPLEMENTATION GROUP C; LOUIS-BAR SYNDROME; Cerebello-oculocutaneous telangiectasia; Immunodeficiency with ataxia telangiectasia. Identifiers: Orphanet 100, MedGen C0004135, MONDO:0008840, OMIM 208900.

Allele frequency attached by ClinVar (database versions not stated): gnomAD exomes below 0.00001; gnomAD 0.00001; TOPMed 0.00001.
gnomAD v4.1: 2 of 1,611,676 alleles (0.00012%); highest among the groups gnomAD compares: Middle Eastern, 0.017%; no homozygotes.

Submissions (3):

Center for Genomic Medicine, Rigshospitalet, Copenhagen University Hospital
Classification: Likely benign. Last evaluated: 2025-03-04. Review status: criteria provided, single submitter. Criteria: ACMG Guidelines, 2015. Collection method: clinical testing. Allele origin: germline.

Color Diagnostics, LLC DBA Color Health
Classification: Uncertain significance for Hereditary cancer-predisposing syndrome. Last evaluated: 2023-02-17. Review status: criteria provided, single submitter. Criteria: ACMG Guidelines, 2015. Collection method: clinical testing. Allele origin: germline.
Comment: This variant is located in the 5' untranslated region of the ATM gene. To our knowledge, functional assays have not been performed for this variant nor has this variant been reported in individuals affected with hereditary cancer in the literature. This variant has not been identified in the general population by the Genome Aggregation Database (gnomAD). Available evidence is insufficient to determine the role of this variant in disease conclusively. Therefore, this variant is classified as a Variant of Uncertain Significance.

Mendelics
Classification: Likely benign for Ataxia-telangiectasia syndrome. Last evaluated: 2019-05-28. Review status: criteria provided, single submitter. Criteria: Mendelics Assertion Criteria 2017. Collection method: clinical testing. Allele origin: unknown.

NM_000051.4(ATM):c.-15C>T

Gene: ATM (ATM serine/threonine kinase; plus strand). Cytogenetic location: 11q22.3.
Variant type: single nucleotide variant.
Coding change: c.-15C>T on transcript NM_000051.4 (MANE Select); 15 bases upstream of the start codon, C replaced by T.
Molecular consequence: 5 prime UTR variant.
Genome position (GRCh38, 1-based): chr11:108,227,610, C>T. VCF-style: chr11-108227610-C-T. GRCh37 (hg19) VCF-style: chr11-108098337-C-T.
Other names: c.-15C>T (NM_001351834.2, NM_001351835.2, NM_001351836.2).
Identifiers: ClinVar variation 490406 (VCV000490406.10), dbSNP rs1204830852, ClinGen allele CA658683694.